The following is an entry in ClinVar:

ClinVar aggregate classification (germline): Benign/Likely benign. Review status: criteria provided, multiple submitters, no conflicts (2 of 4 stars). 4 submissions from 4 submitters: Benign (3); Likely benign (1). Last evaluated 2026-01-19.

Conditions:
Treacher Collins syndrome 1 (TCS1). Also called: TCOF1-Related Treacher Collins Syndrome. Identifiers: Orphanet 861, MedGen CN315775, MONDO:0007944, OMIM 154500.

Allele frequency attached by ClinVar (database versions not stated): TOPMed 0.00062; ExAC 0.00097; ESP Exome Variant Server 0.00108; 1000 Genomes Project 30x 0.00109; gnomAD exomes 0.00129; gnomAD 0.00135 and 0.00137; 1000 Genomes Project 0.00140.
gnomAD v4.1: 2,010 of 1,614,090 alleles (0.12%); highest among the groups gnomAD compares: Non-Finnish European, 0.11%; 5 homozygotes.

Submissions (4):

Labcorp Genetics (formerly Invitae), Labcorp
Classification: Benign for Treacher Collins syndrome 1. Last evaluated: 2026-01-19. Review status: criteria provided, single submitter. Criteria: Invitae Variant Classification Sherloc (09022015). Collection method: clinical testing. Allele origin: germline.

Blueprint Genetics
Classification: Likely benign. Last evaluated: 2024-11-11. Review status: criteria provided, single submitter. Criteria: ACMG Guidelines, 2015. Collection method: clinical testing. Allele origin: germline.

CeGaT Center for Human Genetics Tuebingen
Classification: Benign. Last evaluated: 2022-09-01. Review status: criteria provided, single submitter. Criteria: CeGaT Center For Human Genetics Tuebingen Variant Classification Criteria Version 2. Collection method: clinical testing. Allele origin: germline. Affected: yes. Observed: 1 variant allele.
Comment: TCOF1: BS1, BS2

GeneDx
Classification: Benign. Last evaluated: 2019-04-08. Review status: criteria provided, single submitter. Criteria: GeneDx Variant Classification Process June 2021. Collection method: clinical testing. Allele origin: germline. Affected: yes.

NM_001371623.1(TCOF1):c.1671T>C (p.Asp557=)

Gene: TCOF1 (treacle ribosome biogenesis factor 1; plus strand). Cytogenetic location: 5q32.
Variant type: single nucleotide variant.
Coding change: c.1671T>C on transcript NM_001371623.1 (MANE Select); coding-DNA position 1671, T replaced by C.
Protein change: p.Asp557=; no amino-acid change (aspartic acid 557 retained).
Molecular consequence: synonymous variant.
Genome position (GRCh38, 1-based): chr5:150,375,521, T>C. VCF-style: chr5-150375521-T-C. GRCh37 (hg19) VCF-style: chr5-149755084-T-C.
Other names: c.1440T>C, p.Asp480= (NM_000356.4, NM_001135245.2); c.1671T>C, p.Asp557= (NM_001008657.3, NM_001135243.2, NM_001135244.2 and 1 more transcripts).
Identifiers: ClinVar variation 352211 (VCV000352211.37), dbSNP rs142758482, ClinGen allele CA3510941.
Genomic context (GRCh38, chr5:150,375,521, plus strand): 5'-GGTGGGGAAGTGGGAGGAGGACTCAGAGAGCAGTAGTGAGGAGTCATCAGACAGCAGTGA[T>C]GGAGAGGTGCCCACAGCTGTGGCCCCGGCTCAGGTGAGGCCCCTTCCTGTAAGGCTCTTT-3'
Protein context (NP_001358552.1, residues 547-567): SSSEESSDSS[Asp557=]GEVPTAVAPA